The following is an entry in ClinVar:

ClinVar aggregate classification (germline): Pathogenic (0 of 4 stars; one submission).

Submission:

GenMed Metabolism Lab
Classification: Pathogenic. Review status: no assertion criteria provided. Collection method: not provided. Allele origin: unknown.
ClinVar note: Converted during submission from pathogenic to Pathogenic.

NM_000531.6(OTC):c.787G>A (p.Asp263Asn)

Gene: OTC (ornithine transcarbamylase; plus strand). Cytogenetic location: Xp11.4.
Variant type: single nucleotide variant.
Coding change: c.787G>A on transcript NM_000531.6 (MANE Select); coding-DNA position 787, G replaced by A.
Protein change: p.Asp263Asn; replaces aspartic acid 263 with asparagine.
Molecular consequence: missense variant.
Genome position (GRCh38, 1-based): chrX:38,408,945, G>A. VCF-style: chrX-38408945-G-A. GRCh37 (hg19) VCF-style: chrX-38268198-G-A.
Other names: short protein forms D263N.
Identifiers: ClinVar variation 97324 (VCV000097324.2), dbSNP rs72558442, ClinGen allele CA224787.
Genomic context (GRCh38, chrX:38,408,945, plus strand): 5'-AAGCTGTTGCTGACAAATGATCCATTGGAAGCAGCGCATGGAGGCAATGTATTAATTACA[G>A]ACACTTGGATAAGCATGGGACAAGAAGAGGAGAAGAAAAAGCGGCTCCAGGCTTTCCAAG-3'
Protein context (NP_000522.3, residues 253-273): AAHGGNVLIT[Asp263Asn]TWISMGQEEE